The following is an entry in ClinVar:

NC_000011.9:g.(?_73820059)_(73820217_?)del

Gene: C2CD3 (C2 domain containing 3 centriole elongation regulator; minus strand). Cytogenetic location: 11q13.4.
Variant type: Deletion.
Identifiers: ClinVar variation 3244775 (VCV003244775.1).

ClinVar aggregate classification (germline): Pathogenic (1 of 4 stars; one submission).

Submission:

Labcorp Genetics (formerly Invitae), Labcorp
Classification: Pathogenic. Last evaluated: 2023-03-15. Review status: criteria provided, single submitter. Criteria: Invitae Variant Classification Sherloc (09022015). Collection method: clinical testing. Allele origin: unknown.
Comment: For these reasons, this variant has been classified as Pathogenic. This variant has not been reported in the literature in individuals affected with C2CD3-related conditions. This variant is a gross deletion of the genomic region encompassing exon(s) 12 of the C2CD3 gene. This deletion is out-of-frame, and is expected to create a premature termination codon and result in an absent or disrupted protein product. Loss-of-function variants in C2CD3 are known to be pathogenic (PMID: 24997988, 26477546).

Literature cited by the submitters: PubMed 24997988; PubMed 26477546.